The following is an entry in ClinVar:

ClinVar aggregate classification (germline): Uncertain significance. Review status: criteria provided, multiple submitters, no conflicts (2 of 4 stars). 2 submissions from 2 submitters: Uncertain significance (2). Last evaluated 2025-11-24.

Allele frequency attached by ClinVar (database versions not stated): ExAC 0.00001; TOPMed 0.00012; gnomAD 0.00007; gnomAD exomes 0.00001.
gnomAD v4.1: 30 of 1,611,456 alleles (0.0019%); highest among the groups gnomAD compares: African/African-American, 0.028%; no homozygotes.

Submissions (2):

Ambry Genetics
Classification: Uncertain significance. Last evaluated: 2025-11-24. Review status: criteria provided, single submitter. Criteria: Ambry Variant Classification Scheme 2023. Collection method: clinical testing. Allele origin: germline.

Labcorp Genetics (formerly Invitae), Labcorp
Classification: Uncertain significance. Last evaluated: 2023-10-13. Review status: criteria provided, single submitter. Criteria: Invitae Variant Classification Sherloc (09022015). Collection method: clinical testing. Allele origin: germline.
Comment: This sequence change replaces serine, which is neutral and polar, with proline, which is neutral and non-polar, at codon 277 of the SUGCT protein (p.Ser277Pro). This variant is present in population databases (rs763107282, gnomAD 0.008%). This variant has not been reported in the literature in individuals affected with SUGCT-related conditions. ClinVar contains an entry for this variant (Variation ID: 2155825). Algorithms developed to predict the effect of missense changes on protein structure and function output the following: SIFT: "Not Available"; PolyPhen-2: "Not Available"; Align-GVGD: "Not Available". The proline amino acid residue is found in multiple mammalian species, which suggests that this missense change does not adversely affect protein function. In summary, the available evidence is currently insufficient to determine the role of this variant in disease. Therefore, it has been classified as a Variant of Uncertain Significance.

NM_001193313.2(SUGCT):c.919T>C (p.Ser307Pro)

Gene: SUGCT (succinyl-CoA:glutarate-CoA transferase; plus strand). Cytogenetic location: 7p14.1.
Variant type: single nucleotide variant.
Coding change: c.919T>C on transcript NM_001193313.2 (MANE Select); coding-DNA position 919, T replaced by C.
Protein change: p.Ser307Pro; replaces serine 307 with proline.
Molecular consequence: missense variant.
Genome position (GRCh38, 1-based): chr7:40,459,131, T>C. VCF-style: chr7-40459131-T-C. GRCh37 (hg19) VCF-style: chr7-40498730-T-C.
Other names: c.919T>C, p.Ser307Pro (NM_001193311.2); c.775T>C, p.Ser259Pro (NM_001193312.2); c.808T>C, p.Ser270Pro (NM_024728.3); c.829T>C (NM_024728.2); short protein forms S259P, S270P, S307P.
Identifiers: ClinVar variation 2155825 (VCV002155825.3), dbSNP rs763107282, ClinGen allele CA4229641.